The following is an entry in ClinVar:

NM_022489.4(INF2):c.595A>C (p.Ser199Arg)

Gene: INF2 (inverted formin 2; plus strand). Cytogenetic location: 14q32.33.
Variant type: single nucleotide variant.
Coding change: c.595A>C on transcript NM_022489.4 (MANE Select); coding-DNA position 595, A replaced by C.
Protein change: p.Ser199Arg; replaces serine 199 with arginine.
Molecular consequence: missense variant.
Genome position (GRCh38, 1-based): chr14:104,703,382, A>C. VCF-style: chr14-104703382-A-C. GRCh37 (hg19) VCF-style: chr14-105169719-A-C.
Other names: c.595A>C, p.Ser199Arg (NM_001031714.4, NM_032714.3); short protein forms S199R.
Identifiers: ClinVar variation 2071831 (VCV002071831.4), dbSNP rs1889620326, ClinGen allele CA391213340.

ClinVar aggregate classification (germline): Uncertain significance (1 of 4 stars; one submission).

Conditions:
Focal segmental glomerulosclerosis 5 (FSGS5). Identifiers: Orphanet 656, MedGen C2750475, MONDO:0013191, OMIM 613237.
Charcot-Marie-Tooth disease dominant intermediate E. Also called: CHARCOT-MARIE-TOOTH NEUROPATHY WITH FOCAL SEGMENTAL GLOMERULONEPHRITIS. Identifiers: Orphanet 93114, MedGen C4302667, MONDO:0013758, OMIM 614455.

Allele frequency attached by ClinVar (database versions not stated): TOPMed below 0.00001.

Submission:

Labcorp Genetics (formerly Invitae), Labcorp
Classification: Uncertain significance for Charcot-Marie-Tooth disease dominant intermediate E; Focal segmental glomerulosclerosis 5. Last evaluated: 2021-12-19. Review status: criteria provided, single submitter. Criteria: Invitae Variant Classification Sherloc (09022015). Collection method: clinical testing. Allele origin: germline.
Comment: This sequence change replaces serine, which is neutral and polar, with arginine, which is basic and polar, at codon 199 of the INF2 protein (p.Ser199Arg). This variant is not present in population databases (gnomAD no frequency). This variant has not been reported in the literature in individuals affected with INF2-related conditions. Algorithms developed to predict the effect of missense changes on protein structure and function are either unavailable or do not agree on the potential impact of this missense change (SIFT: "Deleterious"; PolyPhen-2: "Probably Damaging"; Align-GVGD: "Class C0"). In summary, the available evidence is currently insufficient to determine the role of this variant in disease. Therefore, it has been classified as a Variant of Uncertain Significance.